The following is an entry in ClinVar:

NM_053274.3(GLMN):c.1469A>G (p.Asn490Ser)

Gene: GLMN (glomulin; minus strand). Cytogenetic location: 1p22.1.
Variant type: single nucleotide variant.
Coding change: c.1469A>G on transcript NM_053274.3 (MANE Select); coding-DNA position 1469, A replaced by G.
Protein change: p.Asn490Ser; replaces asparagine 490 with serine.
Molecular consequence: missense variant. On other transcripts: non-coding transcript variant (1).
Genome position (GRCh38, 1-based): chr1:92,262,867, T>C on the plus strand (A>G on the coding strand, the complement: GLMN is on the minus strand). VCF-style: chr1-92262867-T-C. GRCh37 (hg19) VCF-style: chr1-92728424-T-C.
Other names: c.1427A>G, p.Asn476Ser (NM_001319683.2); short protein forms N476S, N490S.
Identifiers: ClinVar variation 4872430 (VCV004872430.3).

ClinVar aggregate classification (germline): Conflicting classifications of pathogenicity. Review status: criteria provided, conflicting classifications (1 of 4 stars). 2 submissions from 2 submitters: Uncertain significance (1); Likely benign (1). Last evaluated 2026-04-01.

gnomAD v4.1: 264 of 1,127,160 alleles (0.023%); highest among the groups gnomAD compares: African/African-American, 0.37%; 2 homozygotes.

Submissions (2):

CeGaT Center for Human Genetics Tuebingen
Classification: Likely benign. Last evaluated: 2026-04-01. Review status: criteria provided, single submitter. Criteria: CeGaT Center For Human Genetics Tuebingen Variant Classification Criteria Version 2. Collection method: clinical testing. Allele origin: germline. Affected: yes. Observed: 1 variant allele.
Comment: GLMN: BS1

Blueprint Genetics
Classification: Uncertain significance. Last evaluated: 2024-09-13. Review status: criteria provided, single submitter. Criteria: ACMG Guidelines, 2015. Collection method: clinical testing. Allele origin: germline.